The following is an entry in ClinVar:

ClinVar aggregate classification (germline): Uncertain significance. Review status: criteria provided, multiple submitters, no conflicts (2 of 4 stars). 2 submissions from 2 submitters: Uncertain significance (2). Last evaluated 2025-09-30.

Conditions:
Cardiovascular phenotype. Identifiers: MedGen CN230736.

Allele frequency attached by ClinVar (database versions not stated): gnomAD exomes 0.00001; gnomAD 0.00002; TOPMed 0.00003; ESP Exome Variant Server 0.00008.
gnomAD v4.1: 21 of 1,614,022 alleles (0.0013%); highest among the groups gnomAD compares: African/African-American, 0.0027%; no homozygotes.

Submissions (2):

Labcorp Genetics (formerly Invitae), Labcorp
Classification: Uncertain significance. Last evaluated: 2025-09-30. Review status: criteria provided, single submitter. Criteria: Invitae Variant Classification Sherloc (09022015). Collection method: clinical testing. Allele origin: germline.
Comment: This sequence change replaces isoleucine, which is neutral and non-polar, with threonine, which is neutral and polar, at codon 88 of the ABCG8 protein (p.Ile88Thr). This variant is present in population databases (rs370573461, gnomAD 0.002%). This variant has not been reported in the literature in individuals affected with ABCG8-related conditions. ClinVar contains an entry for this variant (Variation ID: 3227784). Invitae Evidence Modeling of protein sequence and biophysical properties (such as structural, functional, and spatial information, amino acid conservation, physicochemical variation, residue mobility, and thermodynamic stability) has been performed for this missense variant. However, the output from this modeling did not meet the statistical confidence thresholds required to predict the impact of this variant on ABCG8 protein function. In summary, the available evidence is currently insufficient to determine the role of this variant in disease. Therefore, it has been classified as a Variant of Uncertain Significance.

Ambry Genetics
Classification: Uncertain significance for Cardiovascular phenotype. Last evaluated: 2023-10-10. Review status: criteria provided, single submitter. Criteria: Ambry Variant Classification Scheme 2023. Collection method: clinical testing. Allele origin: germline.
Comment: The p.I88T variant (also known as c.263T>C), located in coding exon 3 of the ABCG8 gene, results from a T to C substitution at nucleotide position 263. The isoleucine at codon 88 is replaced by threonine, an amino acid with similar properties. This amino acid position is conserved. In addition, the in silico prediction for this alteration is inconclusive. Since supporting evidence is limited at this time, the clinical significance of this alteration remains unclear.

NM_022437.3(ABCG8):c.263T>C (p.Ile88Thr)

Gene: ABCG8 (ATP binding cassette subfamily G member 8; plus strand). Cytogenetic location: 2p21.
Variant type: single nucleotide variant.
Coding change: c.263T>C on transcript NM_022437.3 (MANE Select); coding-DNA position 263, T replaced by C.
Protein change: p.Ile88Thr; replaces isoleucine 88 with threonine.
Molecular consequence: missense variant.
Genome position (GRCh38, 1-based): chr2:43,846,252, T>C. VCF-style: chr2-43846252-T-C. GRCh37 (hg19) VCF-style: chr2-44073391-T-C.
Other names: c.263T>C, p.Ile88Thr (NM_001357321.2); short protein forms I88T.
Identifiers: ClinVar variation 3227784 (VCV003227784.2), dbSNP rs370573461, ClinGen allele CA46434711.